The following is an entry in ClinVar:

ClinVar aggregate classification (germline): Pathogenic (1 of 4 stars; one submission).

Submission:

Quest Diagnostics Nichols Institute San Juan Capistrano
Classification: Pathogenic. Last evaluated: 2021-10-11. Review status: criteria provided, single submitter. Criteria: ACMG/ClinGen CNV Guidelines, 2019. Collection method: clinical testing. Allele origin: unknown.
Comment: The copy number loss of 1p36.33p36.32 involves multiple protein coding genes and overlaps with the region associated with 1p36 deletion syndrome (OMIM 607872), which causes multiple congenital anomalies, short stature, hypotonia and intellectual disability (Battaglia 2013). There is little correlation between the deletion size and the number of clinical features, although the severity may correlate with size (Shiba 2013; Rocha 2016). Significant phenotypic variation of this syndrome has been reported. This variation is due, at least in part, to the genetic heterogeneity seen in 1p36 deletions, which include terminal and interstitial deletions of varying lengths. Some features of monosomy 1p36 have been suggested to result from positional effects rather than a simple contiguous gene deletion (Rocha 2016). Nevertheless, several case-series studies of 1p36 deletion syndrome were performed to identify gene-phenotype association (Giannikou 2012; Shimada 2014). Several candidate genes have been proposed, including GABRD for the seizure phenotype, MMP23B for the cranial abnormalities and ventral midline defects (Jordan 2015; Collu 2016), and SKI for the clefting abnormalities (Colmenares 2002). In particular, heterozygous pathogenic sequence variants, including a few loss-of-function variants in GNB1, are associated with autosomal dominant intellectual disability 42 (MRD42; OMIM 616973; Lohmann 2017; Hildebrand 2020; Schultz-Rogers 2020; Reddy 2021). All of the above-mentioned genes are involved in the current deletion, which also includes a few genes that are associated with an autosomal dominant or recessive OMIM phenotype: ATAD3A (OMIMs 617183 and 618810), TMEM240 (OMIM 607454), and SKI (OMIM 182212). Thus, based on literature review and gene content, this copy number loss is interpreted as pathogenic. References Battaglia A. GeneReviews 2013 Jun 6. PMID: 20301370. Collu et al. Am J Med Genet A. 2016 Jul;170(7):1889-94. PMID: 27144803. Colmenares et al., Nat Genet. 2002 Jan;30(1):106-9. PMID: 11731796. Giannikou et al., Gene. 2012 Sep 15;506(2):360-8. PMID: 22766398. Hildebrand et al., Neurology. 2020 May 19;94(20):e2148-e2167. PMID: 32345733. Jordan et al. Appl Clin Genet. 2015 Aug 27;8:189-200. PMID: 26345236. Lohmann et al., Hum Mol Genet. 2017 Mar 15;26(6):1078-1086. PMID: 28087732. Reddy et al., iScience. 2021 Aug 21;24(9):103018. PMID: 34522861. Rocha C.F., et al; Genet Mol Res. 2016 Feb 22;15(1). PMID: 26910004. Schultz-Rogers et al., Mol Genet Genomic Med. 2020 Nov;8(11):e1477. PMID: 32918542. Shiba, et al., Acta Neuropathol Commun. 2013 Aug 2;1(1):45. PMID: 24252393. Shimada et al., Brain Dev. 2015 May;37(5):515-26. PMID: 25172301.

GRCh37/hg19 1p36.33-36.32(chr1:1335011-2302755)x1

Genes: ANKRD65 (ankyrin repeat domain 65; minus strand), ATAD3A (ATPase family AAA domain containing 3A; plus strand), ATAD3B (ATPase family AAA domain containing 3B; plus strand), ATAD3C (ATPase family AAA domain containing 3C; plus strand), CALML6 (calmodulin like 6; plus strand) and 21 more. Cytogenetic location: 1p36.33-36.32.
Variant type: copy number loss.
Change: copy number 1 (one copy instead of two) of chr1:1,335,011-2,302,755 (967.7 kb, GRCh37 coordinates, 1-based), cytogenetic band 1p36.33-36.32.
Identifiers: ClinVar variation 1807780 (VCV001807780.1).